The following is an entry in ClinVar:

NM_006031.6(PCNT):c.9363C>A (p.Ala3121=)

Gene: PCNT (pericentrin; plus strand). Cytogenetic location: 21q22.3.
Variant type: single nucleotide variant.
Coding change: c.9363C>A on transcript NM_006031.6 (MANE Select); coding-DNA position 9363, C replaced by A.
Protein change: p.Ala3121=; no amino-acid change (alanine 3121 retained).
Molecular consequence: synonymous variant.
Genome position (GRCh38, 1-based): chr21:46,440,172, C>A. VCF-style: chr21-46440172-C-A. GRCh37 (hg19) VCF-style: chr21-47860085-C-A.
Other names: c.8772C>A, p.Ala2924= (NM_001315529.2).
Identifiers: ClinVar variation 1336502 (VCV001336502.11), dbSNP rs144262961, ClinGen allele CA10081301.

ClinVar aggregate classification (germline): Likely benign. Review status: criteria provided, multiple submitters, no conflicts (2 of 4 stars). 5 submissions from 5 submitters: Likely benign (4). 1 of the submissions does not count toward it. Last evaluated 2026-01-11.

Conditions:
PCNT-related disorder. Also called: PCNT-related condition.

Allele frequency attached by ClinVar (database versions not stated): gnomAD exomes 0.00003 and 0.00006; ExAC 0.00007; ESP Exome Variant Server 0.00008; gnomAD 0.00019 and 0.00021; TOPMed 0.00024; 1000 Genomes Project 30x 0.00062; 1000 Genomes Project 0.00080.
gnomAD v4.1: 77 of 1,614,130 alleles (0.0048%); highest among the groups gnomAD compares: African/African-American, 0.079%; no homozygotes.

Submissions (5):

Labcorp Genetics (formerly Invitae), Labcorp
Classification: Likely benign. Last evaluated: 2026-01-11. Review status: criteria provided, single submitter. Criteria: Invitae Variant Classification Sherloc (09022015). Collection method: clinical testing. Allele origin: germline.

Blueprint Genetics
Classification: Likely benign. Last evaluated: 2023-11-14. Review status: criteria provided, single submitter. Criteria: ACMG Guidelines, 2015. Collection method: clinical testing. Allele origin: germline.

Genetic Services Laboratory, University of Chicago
Classification: Likely benign. Last evaluated: 2018-01-19. Review status: criteria provided, single submitter. Criteria: ACMG Guidelines, 2015. Collection method: clinical testing. Allele origin: germline. Affected: no.

Breakthrough Genomics
Classification: Likely benign. Review status: criteria provided, single submitter. Criteria: ACMG Guidelines, 2015. Collection method: not provided. Allele origin: germline. Inheritance: Autosomal recessive inheritance. Affected: yes.

PreventionGenetics, part of Exact Sciences
Classification: Likely benign for PCNT-related condition. Last evaluated: 2022-03-17. Review status: no assertion criteria provided. Collection method: clinical testing. Allele origin: germline. Not counted in ClinVar's aggregate classification.
Comment: This variant is classified as likely benign based on ACMG/AMP sequence variant interpretation guidelines (Richards et al. 2015 PMID: 25741868, with internal and published modifications).